The following is an entry in ClinVar:

NM_002474.3(MYH11):c.2594A>C (p.Lys865Thr)

Gene: MYH11 (myosin heavy chain 11; minus strand). Cytogenetic location: 16p13.11.
Variant type: single nucleotide variant.
Coding change: c.2594A>C on transcript NM_002474.3 (MANE Select); coding-DNA position 2594, A replaced by C.
Protein change: p.Lys865Thr; replaces lysine 865 with threonine.
Molecular consequence: missense variant.
Genome position (GRCh38, 1-based): chr16:15,741,818, T>G on the plus strand (A>C on the coding strand, the complement: MYH11 is on the minus strand). VCF-style: chr16-15741818-T-G. GRCh37 (hg19) VCF-style: chr16-15835675-T-G.
Other names: c.2615A>C, p.Lys872Thr (NM_001040113.2, NM_001040114.2); c.2594A>C, p.Lys865Thr (NM_022844.3); short protein forms K865T, K872T.
Identifiers: ClinVar variation 2003684 (VCV002003684.4), dbSNP rs1337742341, ClinGen allele CA394866321.

ClinVar aggregate classification (germline): Uncertain significance (1 of 4 stars; one submission).

Conditions:
Aortic aneurysm, familial thoracic 4 (AAT4). Also called: AORTIC ANEURYSM/AORTIC DISSECTION AND PATENT DUCTUS ARTERIOSUS. Identifiers: MedGen C1851504, MONDO:0007568, OMIM 132900.

Submission:

Labcorp Genetics (formerly Invitae), Labcorp
Classification: Uncertain significance for Aortic aneurysm, familial thoracic 4. Last evaluated: 2022-06-16. Review status: criteria provided, single submitter. Criteria: Invitae Variant Classification Sherloc (09022015). Collection method: clinical testing. Allele origin: germline.
Comment: In summary, the available evidence is currently insufficient to determine the role of this variant in disease. Therefore, it has been classified as a Variant of Uncertain Significance. This sequence change replaces lysine, which is basic and polar, with threonine, which is neutral and polar, at codon 872 of the MYH11 protein (p.Lys872Thr). This variant is not present in population databases (gnomAD no frequency). This variant has not been reported in the literature in individuals affected with MYH11-related conditions. Algorithms developed to predict the effect of missense changes on protein structure and function are either unavailable or do not agree on the potential impact of this missense change (SIFT: "Deleterious"; PolyPhen-2: "Benign"; Align-GVGD: "Class C65").